The following is an entry in ClinVar:

NM_000228.3(LAMB3):c.36_37dup (p.Gly13fs)

Gene: LAMB3 (laminin subunit beta 3; minus strand). Cytogenetic location: 1q32.2.
Variant type: Duplication.
Coding change: c.36_37dup on transcript NM_000228.3 (MANE Select); coding-DNA positions 36 to 37, 2 bases duplicated (TG; older notation c.36_37dupTG).
Protein change: p.Gly13fs; shifts the reading frame from glycine 13.
Molecular consequence: frameshift variant.
Genome position (GRCh38, 1-based): chr1:209,650,110-209,650,111, CA duplicated on the plus strand (TG on the coding strand, the reverse complement: LAMB3 is on the minus strand). VCF-style (leftmost placement, unchanged base first): chr1-209650109-C-CCA. GRCh37 (hg19) VCF-style: chr1-209823454-C-CCA.
Other names: c.36_37dup, p.Gly13fs (NM_001017402.2, NM_001127641.1); short protein forms G13fs.
Identifiers: ClinVar variation 5016273 (VCV005016273.1).

ClinVar aggregate classification (germline): Pathogenic (1 of 4 stars; one submission).

Conditions:
Junctional epidermolysis bullosa. Identifiers: Orphanet 305, MedGen C0079301, MONDO:0017612.

Submission:

Myriad Genetics, Inc.
Classification: Pathogenic for Junctional epidermolysis bullosa. Last evaluated: 2026-08-24. Review status: criteria provided, single submitter. Criteria: Myriad Autosomal Dominant, Autosomal Recessive and X-Linked Classification Criteria (2023). Collection method: clinical testing. Allele origin: unknown.
Comment: NM_000228.2(LAMB3):c.36_37dupTG(G13Vfs*38) is expected to be pathogenic in the context of junctional epidermolysis bullosa, LAMB3-related. This variant is predicted to lead to an abnormal or absent protein product due to the creation of a premature termination codon in LAMB3, a gene where loss-of-function variants are known to be pathogenic. Please note: this variant was assessed in the context of healthy population screening.